The following is an entry in ClinVar:

ClinVar aggregate classification (germline): Uncertain significance (1 of 4 stars; one submission).

Conditions:
Autism (AUTS). Also called: Autistic disorder; Autistic disorder of childhood onset. Identifiers: MedGen C0004352, MeSH D001321, MONDO:0005260, OMIM 209850, HP:0000717.

gnomAD v4.1: 38 of 1,584,296 alleles (0.0024%); highest among the groups gnomAD compares: Admixed American, 0.025%; no homozygotes.

Submission:

Plataforma de Genómica Funcional - SJD, Institut De Recerca Sant Joan De Déu
Classification: Uncertain significance for Autism. Last evaluated: 2025-09-18. Review status: criteria provided, single submitter. Criteria: ACMG Guidelines, 2015. Collection method: clinical testing. Allele origin: biparental. Inheritance: Autosomal recessive inheritance. Affected: yes. Observed: 1 variant allele, 1 homozygote.
Comment: The c.1461G>T variant in LRRC40 (NM_017768.4) results in a missense substitution, replacing leucine with phenylalanine at position 487 (p.(Leu487Phe)). This variant is present in population databases at extremely low frequency (gnomAD v4.1; PM2_supporting). This variant has been reported as homozygous, together with the PLXNA2 variants c.614G>A (p.(Arg205Gln); ClinVar Variation ID: 1442819) and c.4904G>A (p.(Arg1635Gln); ClinVar Variation ID: 1510603), in an individual with ASD (PMID: 33749153). Functional studies performed in patient's fibroblasts showed inconclusive results (PMID: 33749153). In summary, this variant meets the criteria to be classified as Variant of Uncertain Significance based on the ACMG/AMP criteria applied.

Literature cited by the submitters: PubMed 33749153.

NM_017768.5(LRRC40):c.1461G>T (p.Leu487Phe)

Gene: LRRC40 (leucine rich repeat containing 40; minus strand). Cytogenetic location: 1p31.1.
Variant type: single nucleotide variant.
Coding change: c.1461G>T on transcript NM_017768.5 (MANE Select); coding-DNA position 1461, G replaced by T.
Protein change: p.Leu487Phe; replaces leucine 487 with phenylalanine.
Molecular consequence: missense variant.
Genome position (GRCh38, 1-based): chr1:70,151,184, C>A on the plus strand (G>T on the coding strand, the complement: LRRC40 is on the minus strand). VCF-style: chr1-70151184-C-A. GRCh37 (hg19) VCF-style: chr1-70616867-C-A.
Other names: short protein forms L487F.
Identifiers: ClinVar variation 4277307 (VCV004277307.1).